The following is an entry in ClinVar:

NM_007347.5(AP4E1):c.1451A>T (p.Asp484Val)

Gene: AP4E1 (adaptor related protein complex 4 subunit epsilon 1; plus strand). Cytogenetic location: 15q21.2.
Variant type: single nucleotide variant.
Coding change: c.1451A>T on transcript NM_007347.5 (MANE Select); coding-DNA position 1451, A replaced by T.
Protein change: p.Asp484Val; replaces aspartic acid 484 with valine.
Molecular consequence: missense variant.
Genome position (GRCh38, 1-based): chr15:50,950,072, A>T. VCF-style: chr15-50950072-A-T. GRCh37 (hg19) VCF-style: chr15-51242269-A-T.
Other names: c.1226A>T, p.Asp409Val (NM_001252127.2); short protein forms D409V, D484V.
Identifiers: ClinVar variation 653130 (VCV000653130.7), dbSNP rs773569377, ClinGen allele CA7559089.

ClinVar aggregate classification (germline): Uncertain significance. Review status: criteria provided, multiple submitters, no conflicts (2 of 4 stars). 2 submissions from 2 submitters: Uncertain significance (2). Last evaluated 2023-08-30.

Conditions:
Spastic paraplegia. Identifiers: MedGen C0037772, HP:0001258.

Allele frequency attached by ClinVar (database versions not stated): gnomAD 0.00003; ExAC 0.00005; TOPMed 0.00006; gnomAD exomes 0.00007.
gnomAD v4.1: 26 of 1,613,148 alleles (0.0016%); highest among the groups gnomAD compares: Admixed American, 0.038%; no homozygotes.

Submissions (2):

Labcorp Genetics (formerly Invitae), Labcorp
Classification: Uncertain significance for Spastic paraplegia. Last evaluated: 2023-08-30. Review status: criteria provided, single submitter. Criteria: Invitae Variant Classification Sherloc (09022015). Collection method: clinical testing. Allele origin: germline.
Comment: In summary, the available evidence is currently insufficient to determine the role of this variant in disease. Therefore, it has been classified as a Variant of Uncertain Significance. An algorithm developed to predict the effect of missense changes on protein structure and function (PolyPhen-2) suggests that this variant is likely to be disruptive. ClinVar contains an entry for this variant (Variation ID: 653130). This variant has not been reported in the literature in individuals affected with AP4E1-related conditions. This variant is present in population databases (rs773569377, gnomAD 0.05%). This sequence change replaces aspartic acid, which is acidic and polar, with valine, which is neutral and non-polar, at codon 484 of the AP4E1 protein (p.Asp484Val).

GeneDx
Classification: Uncertain significance. Last evaluated: 2022-06-09. Review status: criteria provided, single submitter. Criteria: GeneDx Variant Classification Process June 2021. Collection method: clinical testing. Allele origin: germline. Affected: yes.
Comment: In silico analysis supports that this missense variant has a deleterious effect on protein structure/function; Has not been previously published as pathogenic or benign to our knowledge